The following is an entry in ClinVar:

ClinVar aggregate classification (germline): Uncertain significance (1 of 4 stars; one submission).

gnomAD v4.1: 1 of 1,611,782 alleles (0.000062%); highest among the groups gnomAD compares: South Asian, 0.0011%; no homozygotes.

Submission:

Ambry Genetics
Classification: Uncertain significance. Last evaluated: 2024-12-06. Review status: criteria provided, single submitter. Criteria: Ambry Variant Classification Scheme 2023. Collection method: clinical testing. Allele origin: germline.
Comment: The p.P915S variant (also known as c.2743C>T), located in coding exon 8 of the CDK12 gene, results from a C to T substitution at nucleotide position 2743. The proline at codon 915 is replaced by serine, an amino acid with similar properties. This amino acid position is conserved. In addition, the in silico prediction for this alteration is inconclusive. Based on the available evidence, the clinical significance of this variant remains unclear.

NM_016507.4(CDK12):c.2743C>T (p.Pro915Ser)

Gene: CDK12 (cyclin dependent kinase 12; plus strand). Cytogenetic location: 17q12.
Variant type: single nucleotide variant.
Coding change: c.2743C>T on transcript NM_016507.4 (MANE Select); coding-DNA position 2743, C replaced by T.
Protein change: p.Pro915Ser; replaces proline 915 with serine.
Molecular consequence: missense variant.
Genome position (GRCh38, 1-based): chr17:39,511,605, C>T. VCF-style: chr17-39511605-C-T. GRCh37 (hg19) VCF-style: chr17-37667858-C-T.
Other names: c.2743C>T, p.Pro915Ser (NM_015083.4); short protein forms P915S.
Identifiers: ClinVar variation 3489359 (VCV003489359.1).
Genomic context (GRCh38, chr17:39,511,605, plus strand): 5'-AAAGTCATTACTTTGTGGTACCGACCTCCAGAACTACTGCTAGGAGAGGAACGTTACACA[C>T]CAGCCATAGATGTTTGGAGCTGTGGGTAAGGTTCTGTTAACTTTTTCTTTTGTCTGTAAC-3'
Protein context (NP_057591.2, residues 905-925): ELLLGEERYT[Pro915Ser]AIDVWSCGCI